The following is an entry in ClinVar:

ClinVar aggregate classification (germline): Uncertain significance (1 of 4 stars; one submission).

Submission:

Ambry Genetics
Classification: Uncertain significance. Last evaluated: 2025-11-19. Review status: criteria provided, single submitter. Criteria: Ambry Variant Classification Scheme 2023. Collection method: clinical testing. Allele origin: germline.
Comment: The c.473C>T (p.P158L) alteration is located in exon 3 (coding exon 2) of the ZNF449 gene. This alteration results from a C to T substitution at nucleotide position 473, causing the proline (P) at amino acid position 158 to be replaced by a leucine (L). Based on data from gnomAD, the T allele has an overall frequency of <0.001% (1/183140) total alleles studied. The highest observed frequency was 0.001% (1/81628) of European (non-Finnish) alleles. Based on insufficient or conflicting evidence, the clinical significance of this alteration remains unclear.

NM_152695.6(ZNF449):c.473C>T (p.Pro158Leu)

Gene: ZNF449 (zinc finger protein 449; plus strand). Cytogenetic location: Xq26.3.
Variant type: single nucleotide variant.
Coding change: c.473C>T on transcript NM_152695.6 (MANE Select); coding-DNA position 473, C replaced by T.
Protein change: p.Pro158Leu; replaces proline 158 with leucine.
Molecular consequence: missense variant.
Genome position (GRCh38, 1-based): chrX:135,349,228, C>T. VCF-style: chrX-135349228-C-T. GRCh37 (hg19) VCF-style: chrX-134483153-C-T.
Other names: short protein forms P158L.
Identifiers: ClinVar variation 4609933 (VCV004609933.1).